The following is an entry in ClinVar:

ClinVar aggregate classification (germline): Uncertain significance (1 of 4 stars; one submission).

Conditions:
Inborn genetic diseases. Identifiers: MedGen C0950123, MeSH D030342.

Allele frequency attached by ClinVar (database versions not stated): gnomAD exomes below 0.00001.
gnomAD v4.1: 1 of 1,603,716 alleles (0.000062%); highest among the groups gnomAD compares: Non-Finnish European, 0.000085%; no homozygotes.

Submission:

Ambry Genetics
Classification: Uncertain significance for Inborn genetic diseases. Last evaluated: 2022-04-11. Review status: criteria provided, single submitter. Criteria: Ambry Variant Classification Scheme 2023. Collection method: clinical testing. Allele origin: germline.
Comment: The p.P460L variant (also known as c.1379C>T), located in coding exon 10 of the EPAS1 gene, results from a C to T substitution at nucleotide position 1379. The proline at codon 460 is replaced by leucine, an amino acid with similar properties. This amino acid position is conserved. In addition, this alteration is predicted to be tolerated by in silico analysis. Since supporting evidence is limited at this time, the clinical significance of this alteration remains unclear.

NM_001430.5(EPAS1):c.1379C>T (p.Pro460Leu)

Gene: EPAS1 (endothelial PAS domain protein 1; plus strand). Cytogenetic location: 2p21.
Variant type: single nucleotide variant.
Coding change: c.1379C>T on transcript NM_001430.5 (MANE Select); coding-DNA position 1379, C replaced by T.
Protein change: p.Pro460Leu; replaces proline 460 with leucine.
Molecular consequence: missense variant.
Genome position (GRCh38, 1-based): chr2:46,378,023, C>T. VCF-style: chr2-46378023-C-T. GRCh37 (hg19) VCF-style: chr2-46605162-C-T.
Other names: short protein forms P460L.
Identifiers: ClinVar variation 1771232 (VCV001771232.2), dbSNP rs1175554184, ClinGen allele CA346703960.